The following is an entry in ClinVar:

ClinVar aggregate classification (germline): Likely benign. Review status: criteria provided, multiple submitters, no conflicts (2 of 4 stars). 6 submissions from 6 submitters: Likely benign (5). 1 of the submissions does not count toward it. Last evaluated 2025-02-16.

Conditions:
Juvenile polyposis syndrome (JPS). Identifiers: Orphanet 2929, MedGen C0345893, MONDO:0017380, OMIM 174900.
SMAD4-related disorder. Also called: SMAD4-related condition; SMAD4-Related disorders.
Hereditary cancer-predisposing syndrome. Also called: Tumor predisposition; Hereditary neoplastic syndrome; Neoplastic Syndromes, Hereditary; Hereditary Cancer Syndrome. Identifiers: Orphanet 140162, MedGen C0027672, MeSH D009386, MONDO:0015356.
Familial thoracic aortic aneurysm and aortic dissection (TAAD). Also called: Thoracic aortic aneurysms and dissections. Identifiers: Orphanet 91387, MedGen C4707243, MONDO:0019625.

Allele frequency attached by ClinVar (database versions not stated): ESP Exome Variant Server 0.00008; gnomAD 0.00010; ExAC 0.00011; TOPMed 0.00013.

Submissions (6):

Laboratory of Genetics, Children's Clinical University Hospital Latvia
Classification: Likely benign. Last evaluated: 2025-02-16. Review status: criteria provided, single submitter. Criteria: ACMG Guidelines, 2015. Collection method: clinical testing. Allele origin: germline. Affected: yes.

Ambry Genetics
Classification: Likely benign for Hereditary cancer-predisposing syndrome; Familial thoracic aortic aneurysm and aortic dissection. Last evaluated: 2024-10-25. Review status: criteria provided, single submitter. Criteria: Ambry Variant Classification Scheme 2023. Collection method: clinical testing. Allele origin: germline.

Blueprint Genetics
Classification: Likely benign. Last evaluated: 2024-04-24. Review status: criteria provided, single submitter. Criteria: ACMG Guidelines, 2015. Collection method: clinical testing. Allele origin: germline.

Sema4
Classification: Likely benign for Hereditary cancer-predisposing syndrome. Last evaluated: 2021-08-04. Review status: criteria provided, single submitter. Criteria: Sema4 Curation Guidelines. Collection method: curation. Allele origin: germline.

Labcorp Genetics (formerly Invitae), Labcorp
Classification: Likely benign for Juvenile polyposis syndrome. Last evaluated: 2019-05-30. Review status: criteria provided, single submitter. Criteria: Invitae Variant Classification Sherloc (09022015). Collection method: clinical testing. Allele origin: germline.

PreventionGenetics, part of Exact Sciences
Classification: Likely benign for SMAD4-related condition. Last evaluated: 2020-07-28. Review status: no assertion criteria provided. Collection method: clinical testing. Allele origin: germline. Not counted in ClinVar's aggregate classification.
Comment: This variant is classified as likely benign based on ACMG/AMP sequence variant interpretation guidelines (Richards et al. 2015 PMID: 25741868, with internal and published modifications).

NM_005359.6(SMAD4):c.746A>C (p.Gln249Pro)

Gene: SMAD4 (SMAD family member 4; plus strand). Cytogenetic location: 18q21.2.
Variant type: single nucleotide variant.
Coding change: c.746A>C on transcript NM_005359.6 (MANE Select); coding-DNA position 746, A replaced by C.
Protein change: p.Gln249Pro; replaces glutamine 249 with proline.
Molecular consequence: missense variant.
Genome position (GRCh38, 1-based): chr18:51,058,203, A>C. VCF-style: chr18-51058203-A-C. GRCh37 (hg19) VCF-style: chr18-48584573-A-C.
Other names: short protein forms Q249P.
Identifiers: ClinVar variation 761575 (VCV000761575.12), dbSNP rs371536364, ClinGen allele CA8965893.
Genomic context (GRCh38, chr18:51,058,203, plus strand): 5'-TGGGGGGCAGCCATAGTGAAGGACTGTTGCAGATAGCATCAGGGCCTCAGCCAGGACAGC[A>C]GCAGAATGGATTTACTGGTCAGCCAGCTACTTACCATCATAGTATGTACATACTTTAAAA-3'
Protein context (NP_005350.1, residues 239-259): QIASGPQPGQ[Gln249Pro]QNGFTGQPAT